The following is an entry in ClinVar:

ClinVar aggregate classification (germline): Benign/Likely benign. Review status: criteria provided, multiple submitters, no conflicts (2 of 4 stars). 2 submissions from 2 submitters: Benign (1); Likely benign (1). Last evaluated 2024-07-25.

Conditions:
Hereditary cancer-predisposing syndrome. Also called: Neoplastic Syndromes, Hereditary; Tumor predisposition; Hereditary Cancer Syndrome; Hereditary neoplastic syndrome. Identifiers: Orphanet 140162, MedGen C0027672, MeSH D009386, MONDO:0015356.
Familial cancer of breast. Also called: BREAST CANCER, FAMILIAL; Hereditary breast cancer; hereditary breast carcinoma. Identifiers: Orphanet 227535, MedGen C0346153, MONDO:0016419, OMIM 114480. Disease mechanism: loss of function.

Allele frequency attached by ClinVar (database versions not stated): gnomAD exomes below 0.00001; TOPMed below 0.00001.
gnomAD v4.1: 1 of 1,610,678 alleles (0.000062%); highest among the groups gnomAD compares: Non-Finnish European, 0.000085%; no homozygotes.

Submissions (2):

Myriad Genetics, Inc.
Classification: Benign for Familial cancer of breast. Last evaluated: 2024-07-25. Review status: criteria provided, single submitter. Criteria: Myriad Autosomal Dominant, Autosomal Recessive and X-Linked Classification Criteria (2023). Collection method: clinical testing. Allele origin: unknown.
Comment: This variant is considered benign. This variant is a silent/synonymous amino acid change and it is not expected to impact splicing.

Ambry Genetics
Classification: Likely benign for Hereditary cancer-predisposing syndrome. Last evaluated: 2020-12-12. Review status: criteria provided, single submitter. Criteria: Ambry Variant Classification Scheme 2023. Collection method: clinical testing. Allele origin: germline.

NM_000465.4(BARD1):c.1572T>C (p.Asn524=)

Gene: BARD1 (BRCA1 associated RING domain 1; minus strand). Cytogenetic location: 2q35.
Variant type: single nucleotide variant.
Coding change: c.1572T>C on transcript NM_000465.4 (MANE Select); coding-DNA position 1572, T replaced by C.
Protein change: p.Asn524=; no amino-acid change (asparagine 524 retained).
Molecular consequence: synonymous variant. On other transcripts: non-coding transcript variant (3), intron variant (1).
Genome position (GRCh38, 1-based): chr2:214,752,552, A>G on the plus strand (T>C on the coding strand, the complement: BARD1 is on the minus strand). VCF-style: chr2-214752552-A-G. GRCh37 (hg19) VCF-style: chr2-215617276-A-G.
Other names: c.1515T>C, p.Asn505= (NM_001282543.2); c.219T>C, p.Asn73= (NM_001282545.2); c.162T>C, p.Asn54= (NM_001282548.2); c.365-22044T>C (NM_001282549.2).
Identifiers: ClinVar variation 1775535 (VCV001775535.3), dbSNP rs1330343755, ClinGen allele CA431148043.